The following is an entry in ClinVar:

NM_014633.5(CTR9):c.2201A>G (p.Gln734Arg)

Gene: CTR9 (CTR9 component of Paf1/RNA polymerase II complex; plus strand). Cytogenetic location: 11p15.4.
Variant type: single nucleotide variant.
Coding change: c.2201A>G on transcript NM_014633.5 (MANE Select); coding-DNA position 2201, A replaced by G.
Protein change: p.Gln734Arg; replaces glutamine 734 with arginine.
Molecular consequence: missense variant.
Genome position (GRCh38, 1-based): chr11:10,770,301, A>G. VCF-style: chr11-10770301-A-G. GRCh37 (hg19) VCF-style: chr11-10791848-A-G.
Other names: c.2201A>G, p.Gln734Arg (NM_001346279.2); short protein forms Q734R.
Identifiers: ClinVar variation 4813188 (VCV004813188.1).

ClinVar aggregate classification (germline): Uncertain significance (1 of 4 stars; one submission).

Conditions:
Predisposition to Wilms tumor.

Submission:

St. Jude Molecular Pathology, St. Jude Children's Research Hospital
Classification: Uncertain significance for Predisposition to Wilms tumor. Last evaluated: 2026-02-20. Review status: criteria provided, single submitter. Criteria: St. Jude Assertion Criteria 2020. Collection method: clinical testing. Allele origin: germline.
Comment: The CTR9 c.2201A>G p.(Gln734Arg) missense change is absent in gnomAD v2.1.1. The in silico tool REVEL predicts a benign effect on protein function, but to our knowledge this prediction has not been confirmed by functional studies. To our knowledge, this variant has not been reported in individuals with Wilms tumor. In summary, the evidence currently avai lable is insufficient to determine the clinical significance of this variant. It has therefore been classified as of uncertain significance.